The following is an entry in ClinVar:

ClinVar aggregate classification (germline): Likely pathogenic. Review status: criteria provided, multiple submitters, no conflicts (2 of 4 stars). 2 submissions from 2 submitters: Likely pathogenic (2). Last evaluated 2025-12-29.

Conditions:
Snijders Blok-Campeau syndrome. Also called: INTELLECTUAL DEVELOPMENTAL DISORDER WITH MACROCEPHALY, SPEECH DELAY, AND DYSMORPHIC FACIES. Identifiers: Orphanet 599082, MedGen C4748701, MONDO:0032600, OMIM 618205.

Submissions (2):

GeneDx
Classification: Likely pathogenic. Last evaluated: 2025-12-29. Review status: criteria provided, single submitter. Criteria: GeneDx Variant Classification Process June 2021. Collection method: clinical testing. Allele origin: germline. Affected: yes.
Comment: Not observed at significant frequency in large population cohorts (gnomAD); In silico analysis supports that this missense variant has a deleterious effect on protein structure/function; Has not been previously published as pathogenic or benign to our knowledge

Juno Genomics, Hangzhou Juno Genomics, Inc
Classification: Likely pathogenic for Snijders Blok-Campeau syndrome. Review status: criteria provided, single submitter. Criteria: ACMG Guidelines, 2015. Collection method: clinical testing. Allele origin: germline. Affected: yes.
Comment: Absent from controls (or at extremely low frequency if recessive) in Genome Aggregation Database, Exome Sequencing Project, 1000 Genomes Project, or Exome Aggregation Consortium.;Multiple lines of computational evidence support a deleterious effect on the gene or gene product (conservation, evolutionary, splicing impact, etc).;Missense variant in a gene that has a low rate of benign missense variation and where missense variants are a common mechanism of disease.;Located in a mutational hot spot and/or critical and well-established functional domain (e.g. active site of an enzyme) without benign variation.

NM_001005273.3(CHD3):c.2660G>A (p.Arg887Gln)

Gene: CHD3 (chromodomain helicase DNA binding protein 3; plus strand). Cytogenetic location: 17p13.1.
Variant type: single nucleotide variant.
Coding change: c.2660G>A on transcript NM_001005273.3 (MANE Select); coding-DNA position 2660, G replaced by A.
Protein change: p.Arg887Gln; replaces arginine 887 with glutamine.
Molecular consequence: missense variant.
Genome position (GRCh38, 1-based): chr17:7,900,011, G>A. VCF-style: chr17-7900011-G-A. GRCh37 (hg19) VCF-style: chr17-7803329-G-A.
Other names: c.2837G>A, p.Arg946Gln (NM_001005271.3); c.2660G>A, p.Arg887Gln (NM_005852.4); short protein forms R887Q, R946Q.
Identifiers: ClinVar variation 1809821 (VCV001809821.4), dbSNP rs2544939617, ClinGen allele CA397940024.
Genomic context (GRCh38, chr17:7,900,011, plus strand): 5'-TTGATCAGGCAGCACTTGGTTCCATCCGCTGGGCCTGTCTTGTGGTAGATGAGGCCCATC[G>A]ACTCAAGAACAACCAGTCCAAGGTGAGTGAGGTTTCCAGACCTAAAAAACTTGAAGTTGT-3'
Protein context (NP_001005273.1, residues 877-897): WACLVVDEAH[Arg887Gln]LKNNQSKFFR